The following is an entry in ClinVar:

ClinVar aggregate classification (germline): Uncertain significance. Review status: criteria provided, multiple submitters, no conflicts (2 of 4 stars). 3 submissions from 3 submitters: Uncertain significance (3). Last evaluated 2024-05-07.

Conditions:
Joubert syndrome 17 (JBTS17). Identifiers: Orphanet 475, MedGen C3553264, MONDO:0013824, OMIM 614615.
Orofaciodigital syndrome type 6 (OFD6). Also called: OROFACIODIGITAL SYNDROME VI; OFDS VI; POLYDACTYLY, CLEFT LIP/PALATE OR LINGUAL LUMP, AND PSYCHOMOTOR RETARDATION; VARADI SYNDROME; VARADI-PAPP SYNDROME; Oral-facial-digital syndrome type 6. Identifiers: Orphanet 2754, MedGen C2745997, MONDO:0010176, OMIM 277170.

Allele frequency attached by ClinVar (database versions not stated): gnomAD exomes 0.00001; TOPMed 0.00001.
gnomAD v4.1: 11 of 1,551,440 alleles (0.00071%); highest among the groups gnomAD compares: Middle Eastern, 0.017%; no homozygotes.

Submissions (3):

Fulgent Genetics
Classification: Uncertain significance for Orofaciodigital syndrome type 6; Joubert syndrome 17. Last evaluated: 2024-05-07. Review status: criteria provided, single submitter. Criteria: ACMG Guidelines, 2015. Collection method: clinical testing. Allele origin: germline.

Labcorp Genetics (formerly Invitae), Labcorp
Classification: Uncertain significance. Last evaluated: 2022-08-09. Review status: criteria provided, single submitter. Criteria: Invitae Variant Classification Sherloc (09022015). Collection method: clinical testing. Allele origin: germline.
Comment: In summary, the available evidence is currently insufficient to determine the role of this variant in disease. Therefore, it has been classified as a Variant of Uncertain Significance. Advanced modeling of protein sequence and biophysical properties (such as structural, functional, and spatial information, amino acid conservation, physicochemical variation, residue mobility, and thermodynamic stability) performed at Invitae indicates that this missense variant is not expected to disrupt CPLANE1 protein function. This sequence change replaces lysine, which is basic and polar, with asparagine, which is neutral and polar, at codon 775 of the CPLANE1 protein (p.Lys775Asn). This variant is present in population databases (no rsID available, gnomAD 0.01%). This variant has not been reported in the literature in individuals affected with CPLANE1-related conditions. ClinVar contains an entry for this variant (Variation ID: 904632).

Illumina Laboratory Services, Illumina
Classification: Uncertain significance for Joubert syndrome 17. Last evaluated: 2018-01-12. Review status: criteria provided, single submitter. Criteria: ICSL Variant Classification Criteria 13 December 2019. Collection method: clinical testing. Allele origin: germline.

NM_001384732.1(CPLANE1):c.2325A>T (p.Lys775Asn)

Gene: CPLANE1 (ciliogenesis and planar polarity effector complex subunit 1; minus strand). Cytogenetic location: 5p13.2.
Variant type: single nucleotide variant.
Coding change: c.2325A>T on transcript NM_001384732.1 (MANE Select); coding-DNA position 2325, A replaced by T.
Protein change: p.Lys775Asn; replaces lysine 775 with asparagine.
Molecular consequence: missense variant.
Genome position (GRCh38, 1-based): chr5:37,224,707, T>A on the plus strand (A>T on the coding strand, the complement: CPLANE1 is on the minus strand). VCF-style: chr5-37224707-T-A. GRCh37 (hg19) VCF-style: chr5-37224809-T-A.
Other names: c.2325A>T, p.Lys775Asn (NM_023073.4); short protein forms K775N.
Identifiers: ClinVar variation 904632 (VCV000904632.10), dbSNP rs1313704320, ClinGen allele CA359493660.